The following is an entry in ClinVar:

ClinVar aggregate classification (germline): Uncertain significance (1 of 4 stars; one submission).

Allele frequency attached by ClinVar (database versions not stated): gnomAD exomes below 0.00001.
gnomAD v4.1: 2 of 1,610,652 alleles (0.00012%); highest among the groups gnomAD compares: Non-Finnish European, 0.00017%; no homozygotes.

Submission:

Labcorp Genetics (formerly Invitae), Labcorp
Classification: Uncertain significance. Last evaluated: 2023-12-13. Review status: criteria provided, single submitter. Criteria: Invitae Variant Classification Sherloc (09022015). Collection method: clinical testing. Allele origin: germline.
Comment: This sequence change replaces leucine, which is neutral and non-polar, with phenylalanine, which is neutral and non-polar, at codon 767 of the ERBIN protein (p.Leu767Phe). This variant is not present in population databases (gnomAD no frequency). This variant has not been reported in the literature in individuals affected with ERBIN-related conditions. Algorithms developed to predict the effect of missense changes on protein structure and function output the following: SIFT: "Not Available"; PolyPhen-2: "Benign"; Align-GVGD: "Not Available". The phenylalanine amino acid residue is found in multiple mammalian species, which suggests that this missense change does not adversely affect protein function. In summary, the available evidence is currently insufficient to determine the role of this variant in disease. Therefore, it has been classified as a Variant of Uncertain Significance.

NM_001253697.2(ERBIN):c.2299C>T (p.Leu767Phe)

Gene: ERBIN (erbb2 interacting protein; plus strand). Cytogenetic location: 5q12.3.
Variant type: single nucleotide variant.
Coding change: c.2299C>T on transcript NM_001253697.2 (MANE Select); coding-DNA position 2299, C replaced by T.
Protein change: p.Leu767Phe; replaces leucine 767 with phenylalanine.
Molecular consequence: missense variant.
Genome position (GRCh38, 1-based): chr5:66,053,617, C>T. VCF-style: chr5-66053617-C-T. GRCh37 (hg19) VCF-style: chr5-65349445-C-T.
Other names: c.2299C>T, p.Leu767Phe (NM_001006600.3, NM_001253698.2, NM_001253699.2 and 1 more transcripts); c.2287C>T, p.Leu763Phe (NM_001253701.2); short protein forms L763F, L767F.
Identifiers: ClinVar variation 2698997 (VCV002698997.3), dbSNP rs2546811110, ClinGen allele CA359866493.